The following is an entry in ClinVar:

NM_000090.4(COL3A1):c.3314T>G (p.Ile1105Ser)

Gene: COL3A1 (collagen type III alpha 1 chain; plus strand). Cytogenetic location: 2q32.2.
Variant type: single nucleotide variant.
Coding change: c.3314T>G on transcript NM_000090.4 (MANE Select); coding-DNA position 3314, T replaced by G.
Protein change: p.Ile1105Ser; replaces isoleucine 1105 with serine.
Molecular consequence: missense variant.
Genome position (GRCh38, 1-based): chr2:189,007,558, T>G. VCF-style: chr2-189007558-T-G. GRCh37 (hg19) VCF-style: chr2-189872284-T-G.
Other names: short protein forms I1105S.
Identifiers: ClinVar variation 1948807 (VCV001948807.5), dbSNP rs1576472599, ClinGen allele CA349845766.

ClinVar aggregate classification (germline): Uncertain significance (1 of 4 stars; one submission).

Conditions:
Ehlers-Danlos syndrome, type 4 (EDSVASC). Also called: Ehlers-Danlos syndrome vascular type; Ehlers Danlos syndrome, ecchymotic type; Ehlers Danlos syndrome, arterial type; Ehlers Danlos syndrome, Sack-Barabas type; Ehlers-Danlos Syndrome Type IV. Identifiers: Orphanet 286, MedGen C0268338, MONDO:0017314, OMIM 130050.

Submission:

Labcorp Genetics (formerly Invitae), Labcorp
Classification: Uncertain significance for Ehlers-Danlos syndrome, type 4. Last evaluated: 2022-08-28. Review status: criteria provided, single submitter. Criteria: Invitae Variant Classification Sherloc (09022015). Collection method: clinical testing. Allele origin: germline.
Comment: In summary, the available evidence is currently insufficient to determine the role of this variant in disease. Therefore, it has been classified as a Variant of Uncertain Significance. Advanced modeling of protein sequence and biophysical properties (such as structural, functional, and spatial information, amino acid conservation, physicochemical variation, residue mobility, and thermodynamic stability) performed at Invitae indicates that this missense variant is not expected to disrupt COL3A1 protein function. This variant has not been reported in the literature in individuals affected with COL3A1-related conditions. This variant is not present in population databases (gnomAD no frequency). This sequence change replaces isoleucine, which is neutral and non-polar, with serine, which is neutral and polar, at codon 1105 of the COL3A1 protein (p.Ile1105Ser).